The following is an entry in ClinVar:

ClinVar aggregate classification (germline): Conflicting classifications of pathogenicity. Review status: criteria provided, conflicting classifications (1 of 4 stars). 3 submissions from 3 submitters: Likely pathogenic (2); Uncertain significance (1). Last evaluated 2024-05-03.

Conditions:
Pyknodysostosis. Also called: Pycnodysostosis. Identifiers: Orphanet 763, MedGen C0238402, MONDO:0009940, OMIM 265800.

Allele frequency attached by ClinVar (database versions not stated): gnomAD exomes 0.00001 and 0.00002; TOPMed 0.00001; ExAC 0.00002.
gnomAD v4.1: 15 of 1,613,806 alleles (0.00093%); highest among the groups gnomAD compares: South Asian, 0.0055%; no homozygotes.

Submissions (3):

Fulgent Genetics
Classification: Likely pathogenic for Pyknodysostosis. Last evaluated: 2024-05-03. Review status: criteria provided, single submitter. Criteria: ACMG Guidelines, 2015. Collection method: clinical testing. Allele origin: germline.

Women's Health and Genetics/Laboratory Corporation of America, LabCorp
Classification: Uncertain significance. Last evaluated: 2023-08-02. Review status: criteria provided, single submitter. Criteria: LabCorp Variant Classification Summary - May 2015. Collection method: clinical testing. Allele origin: germline.
Comment: Variant summary: CTSK c.137G>A (p.Arg46Gln) results in a conservative amino acid change located in the Peptidase C1A, papain C-terminal (IPR000668) of the encoded protein sequence. Four of five in-silico tools predict a damaging effect of the variant on protein function. The variant allele was found at a frequency of 1.6e-05 in 249836 control chromosomes. The available data on variant occurrences in the general population are insufficient to allow any conclusion about variant significance. To our knowledge, no occurrence of c.137G>A in individuals affected with Pyknodysostosis and no experimental evidence demonstrating its impact on protein function have been reported. One submitter has cited clinical-significance assessments for this variant to ClinVar after 2014 and has classified the variant as likely pathogenic. Based on the evidence outlined above, the variant was classified as uncertain significance.

Labcorp Genetics (formerly Invitae), Labcorp
Classification: Likely pathogenic. Last evaluated: 2022-03-11. Review status: criteria provided, single submitter. Criteria: Invitae Variant Classification Sherloc (09022015). Collection method: clinical testing. Allele origin: germline.
Comment: Algorithms developed to predict the effect of sequence changes on RNA splicing suggest that this variant may disrupt the consensus splice site. Advanced modeling of protein sequence and biophysical properties (such as structural, functional, and spatial information, amino acid conservation, physicochemical variation, residue mobility, and thermodynamic stability) performed at Invitae indicates that this missense variant is expected to disrupt CTSK protein function. ClinVar contains an entry for this variant (Variation ID: 1066193). This missense change has been observed in individual(s) with clinical features of pycnodysostosis (Invitae). This variant is present in population databases (rs200870056, gnomAD 0.007%). This sequence change replaces arginine, which is basic and polar, with glutamine, which is neutral and polar, at codon 46 of the CTSK protein (p.Arg46Gln). In summary, the currently available evidence indicates that the variant is pathogenic, but additional data are needed to prove that conclusively. Therefore, this variant has been classified as Likely Pathogenic. This variant disrupts the p.Arg46 amino acid residue in CTSK. Other variant(s) that disrupt this residue have been determined to be pathogenic (PMID: 17206399, 24269275, 27092432). This suggests that this residue is clinically significant, and that variants that disrupt this residue are likely to be disease-causing.

Literature cited by the submitters: PubMed 17206399 (cited by Labcorp Genetics (formerly Invitae), Labcorp); PubMed 24269275 (cited by Labcorp Genetics (formerly Invitae), Labcorp); PubMed 27092432 (cited by Labcorp Genetics (formerly Invitae), Labcorp).

NM_000396.4(CTSK):c.137G>A (p.Arg46Gln)

Gene: CTSK (cathepsin K; minus strand). Cytogenetic location: 1q21.3.
Variant type: single nucleotide variant.
Coding change: c.137G>A on transcript NM_000396.4 (MANE Select); coding-DNA position 137, G replaced by A.
Protein change: p.Arg46Gln; replaces arginine 46 with glutamine.
Molecular consequence: missense variant.
Genome position (GRCh38, 1-based): chr1:150,806,208, C>T on the plus strand (G>A on the coding strand, the complement: CTSK is on the minus strand). VCF-style: chr1-150806208-C-T. GRCh37 (hg19) VCF-style: chr1-150778684-C-T.
Other names: c.137G>A (NM_000396.3); short protein forms R46Q.
Identifiers: ClinVar variation 1066193 (VCV001066193.10), dbSNP rs200870056, ClinGen allele CA1080567.